The following is an entry in ClinVar:

NM_052997.3(ANKRD30A):c.3616G>C (p.Val1206Leu)

Gene: ANKRD30A (ankyrin repeat domain 30A; plus strand). Cytogenetic location: 10p11.21.
Variant type: single nucleotide variant.
Coding change: c.3616G>C on transcript NM_052997.3 (MANE Select); coding-DNA position 3616, G replaced by C.
Protein change: p.Val1206Leu; replaces valine 1206 with leucine.
Molecular consequence: missense variant.
Genome position (GRCh38, 1-based): chr10:37,219,328, G>C. VCF-style: chr10-37219328-G-C. GRCh37 (hg19) VCF-style: chr10-37508256-G-C.
Other names: short protein forms V1206L.
Identifiers: ClinVar variation 2640413 (VCV002640413.24), dbSNP rs141194244, ClinGen allele CA5472262.

ClinVar aggregate classification (germline): Likely benign (1 of 4 stars; one submission).

Allele frequency attached by ClinVar (database versions not stated): 1000 Genomes Project 0.00240; 1000 Genomes Project 30x 0.00265; ESP Exome Variant Server 0.00794.
gnomAD v4.1: 12,179 of 1,610,286 alleles (0.76%); highest among the groups gnomAD compares: Non-Finnish European, 0.92%; 67 homozygotes.

Submission:

CeGaT Center for Human Genetics Tuebingen
Classification: Likely benign. Last evaluated: 2024-09-01. Review status: criteria provided, single submitter. Criteria: CeGaT Center For Human Genetics Tuebingen Variant Classification Criteria Version 2. Collection method: clinical testing. Allele origin: germline. Affected: yes. Observed: 2 variant alleles.
Comment: ANKRD30A: BS2